The following is an entry in ClinVar:

NM_000489.6(ATRX):c.6508A>G (p.Thr2170Ala)

Gene: ATRX (ATRX chromatin remodeler; minus strand). Cytogenetic location: Xq21.1.
Variant type: single nucleotide variant.
Coding change: c.6508A>G on transcript NM_000489.6 (MANE Select); coding-DNA position 6508, A replaced by G.
Protein change: p.Thr2170Ala; replaces threonine 2170 with alanine.
Molecular consequence: missense variant.
Genome position (GRCh38, 1-based): chrX:77,557,642, T>C on the plus strand (A>G on the coding strand, the complement: ATRX is on the minus strand). VCF-style: chrX-77557642-T-C. GRCh37 (hg19) VCF-style: chrX-76813113-T-C.
Other names: c.6394A>G, p.Thr2132Ala (NM_138270.5); short protein forms T2132A, T2170A.
Identifiers: ClinVar variation 2138613 (VCV002138613.4), dbSNP rs2520424223, ClinGen allele CA413698939.

ClinVar aggregate classification (germline): Uncertain significance (1 of 4 stars; one submission).

Conditions:
Alpha thalassemia-X-linked intellectual disability syndrome (ATRX). Also called: ALPHA-THALASSEMIA/MENTAL RETARDATION SYNDROME, X-LINKED; ATR, NONDELETION TYPE; ATR-X syndrome; Alpha thalassemia mental retardation syndrome, nondeletion type, X-linked; XLMR hypotonic face syndrome; X-linked alpha-thalassemia-mental retardation syndrome. Identifiers: Orphanet 847, MedGen C1845055, MONDO:0010519, OMIM 301040.

Submission:

Labcorp Genetics (formerly Invitae), Labcorp
Classification: Uncertain significance for Alpha thalassemia-X-linked intellectual disability syndrome. Last evaluated: 2022-05-27. Review status: criteria provided, single submitter. Criteria: Invitae Variant Classification Sherloc (09022015). Collection method: clinical testing. Allele origin: germline.
Comment: In summary, the available evidence is currently insufficient to determine the role of this variant in disease. Therefore, it has been classified as a Variant of Uncertain Significance. Algorithms developed to predict the effect of sequence changes on RNA splicing suggest that this variant may create or strengthen a splice site. Advanced modeling of protein sequence and biophysical properties (such as structural, functional, and spatial information, amino acid conservation, physicochemical variation, residue mobility, and thermodynamic stability) performed at Invitae indicates that this missense variant is expected to disrupt ATRX protein function. This variant is also known as T2169A. This missense change has been observed in individual(s) with clinical features of ATRX-related conditions (PMID: 12673795). This variant is not present in population databases (gnomAD no frequency). This sequence change replaces threonine, which is neutral and polar, with alanine, which is neutral and non-polar, at codon 2170 of the ATRX protein (p.Thr2170Ala).

Literature cited by the submitters: PubMed 12673795.